The following is an entry in ClinVar:

NM_000465.4(BARD1):c.729_730delinsCG (p.Ser244Gly)

Gene: BARD1 (BRCA1 associated RING domain 1; minus strand). Cytogenetic location: 2q35.
Variant type: Indel.
Coding change: c.729_730delinsCG on transcript NM_000465.4 (MANE Select); coding-DNA positions 729 to 730, TA replaced by CG.
Protein change: p.Ser244Gly; replaces serine 244 with glycine.
Molecular consequence: missense variant. On other transcripts: non-coding transcript variant (2), intron variant (3).
Genome position (GRCh38, 1-based): chr2:214,781,144-214,781,145, TA replaced by CG on the plus strand (TA replaced by CG on the coding strand, the reverse complement: BARD1 is on the minus strand). VCF-style: chr2-214781144-TA-CG. GRCh37 (hg19) VCF-style: chr2-215645868-TA-CG.
Other names: c.672_673delinsCG, p.Ser225Gly (NM_001282543.2); c.158+28267_158+28268delinsCG (NM_001282548.2); c.215+15916_215+15917delinsCG (NM_001282545.2); c.364+11152_364+11153delinsCG (NM_001282549.2); short protein forms S225G, S244G.
Identifiers: ClinVar variation 3722306 (VCV003722306.2).

ClinVar aggregate classification (germline): Uncertain significance (1 of 4 stars; one submission).

Conditions:
Familial cancer of breast. Also called: BREAST CANCER, FAMILIAL; Hereditary breast cancer; hereditary breast carcinoma. Identifiers: Orphanet 227535, MedGen C0346153, MONDO:0016419, OMIM 114480. Disease mechanism: loss of function.

Submission:

Labcorp Genetics (formerly Invitae), Labcorp
Classification: Uncertain significance for Familial cancer of breast. Last evaluated: 2024-10-06. Review status: criteria provided, single submitter. Criteria: Invitae Variant Classification Sherloc (09022015). Collection method: clinical testing. Allele origin: germline.
Comment: This sequence change replaces serine, which is neutral and polar, with glycine, which is neutral and non-polar, at codon 244 of the BARD1 protein (p.Ser244Gly). Information on the frequency of this variant in the gnomAD database is not available, as this variant may be reported differently in the database. This variant has not been reported in the literature in individuals affected with BARD1-related conditions. Experimental studies and prediction algorithms are not available or were not evaluated, and the functional significance of this variant is currently unknown. In summary, the available evidence is currently insufficient to determine the role of this variant in disease. Therefore, it has been classified as a Variant of Uncertain Significance.